The following is an entry in ClinVar:

ClinVar aggregate classification (germline): Likely benign. Review status: criteria provided, multiple submitters, no conflicts (2 of 4 stars). 2 submissions from 2 submitters: Likely benign (2). Last evaluated 2026-08-01.

Allele frequency attached by ClinVar (database versions not stated): TOPMed 0.00001; gnomAD 0.00002; gnomAD exomes 0.00003; ExAC 0.00008.
gnomAD v4.1: 49 of 1,613,072 alleles (0.003%); highest among the groups gnomAD compares: South Asian, 0.023%; no homozygotes.

Submissions (2):

CeGaT Center for Human Genetics Tuebingen
Classification: Likely benign. Last evaluated: 2026-08-01. Review status: criteria provided, single submitter. Criteria: CeGaT Center For Human Genetics Tuebingen Variant Classification Criteria Version 2. Collection method: clinical testing. Allele origin: germline. Affected: yes. Observed: 1 variant allele.
Comment: TCF3: BP4, BP7

Labcorp Genetics (formerly Invitae), Labcorp
Classification: Likely benign. Last evaluated: 2025-11-09. Review status: criteria provided, single submitter. Criteria: Invitae Variant Classification Sherloc (09022015). Collection method: clinical testing. Allele origin: germline.

NM_003200.5(TCF3):c.1542G>A (p.Ser514=)

Gene: TCF3 (transcription factor 3; minus strand). Cytogenetic location: 19p13.3.
Variant type: single nucleotide variant.
Coding change: c.1542G>A on transcript NM_003200.5 (MANE Select); coding-DNA position 1542, G replaced by A.
Protein change: p.Ser514=; no amino-acid change (serine 514 retained).
Molecular consequence: synonymous variant.
Genome position (GRCh38, 1-based): chr19:1,615,730, C>T on the plus strand (G>A on the coding strand, the complement: TCF3 is on the minus strand). VCF-style: chr19-1615730-C-T. GRCh37 (hg19) VCF-style: chr19-1615729-C-T.
Other names: c.1542G>A, p.Ser514= (NM_001136139.4, NM_001351779.2); c.1539G>A, p.Ser513= (NM_001351778.2).
Identifiers: ClinVar variation 2167318 (VCV002167318.5), dbSNP rs200280261, ClinGen allele CA9049772.
Genomic context (GRCh38, chr19:1,615,730, plus strand): 5'-AGGGGTGGGTTGGCACCTGGTCCGGGCCCGGGGGGCCTTCAGCTCCTTCTTCTCCTCCTC[C>T]GAGTGGTCAGCCGCTGACGTGTTCTCCTCGTCCTCCTTCTCCTCCCGCTTGATCTCGCTG-3'
Protein context (NP_003191.1, residues 504-524): DEENTSAADH[Ser514=]EEEKKELKAP